The following is an entry in ClinVar:

NM_005045.4(RELN):c.2252A>C (p.Lys751Thr)

Gene: RELN (reelin; minus strand). Cytogenetic location: 7q22.1.
Variant type: single nucleotide variant.
Coding change: c.2252A>C on transcript NM_005045.4 (MANE Select); coding-DNA position 2252, A replaced by C.
Protein change: p.Lys751Thr; replaces lysine 751 with threonine.
Molecular consequence: missense variant.
Genome position (GRCh38, 1-based): chr7:103,636,286, T>G on the plus strand (A>C on the coding strand, the complement: RELN is on the minus strand). VCF-style: chr7-103636286-T-G. GRCh37 (hg19) VCF-style: chr7-103276733-T-G.
Other names: c.2252A>C, p.Lys751Thr (NM_173054.3); short protein forms K751T.
Identifiers: ClinVar variation 834878 (VCV000834878.10), dbSNP rs116504075, ClinGen allele CA4422050.
Genomic context (GRCh38, chr7:103,636,286, plus strand): 5'-TTCACTCACCTGGATTGTGAGCTGTCAAGGAAAGATGTAATTAGCTGACGCCGCCCATCT[T>G]TGTTGAAAACCAGGGCCTTACCACTGGCCAAGACACCACAACCAAAGCTGACTTCAGCAC-3'
Protein context (NP_005036.2, residues 741-761): LASGKALVFN[Lys751Thr]DGRRQLITSF

ClinVar aggregate classification (germline): Conflicting classifications of pathogenicity. Review status: criteria provided, conflicting classifications (1 of 4 stars). 4 submissions from 4 submitters: Uncertain significance (2); Benign (1); Likely benign (1). Last evaluated 2025-09-27.

Conditions:
Norman-Roberts syndrome (LIS2). Also called: Lissencephaly 2 (Norman-Roberts type). Identifiers: Orphanet 89844, MedGen C0796089, MONDO:0009760, OMIM 257320.
Familial temporal lobe epilepsy 7. Identifiers: Orphanet 101046, MedGen C4225327, MONDO:0014639, OMIM 616436.
RELN-related disorder. Also called: RELN-related condition.
Epilepsy, familial temporal lobe, 1. Identifiers: Orphanet 101046, MedGen CN030884, MONDO:0700090, OMIM 600512.

Allele frequency attached by ClinVar (database versions not stated): gnomAD 0.00003 and 0.00004; gnomAD exomes 0.00004 and 0.00018; TOPMed 0.00008; ExAC 0.00017; 1000 Genomes Project 0.00040; 1000 Genomes Project 30x 0.00047.
gnomAD v4.1: 65 of 1,614,076 alleles (0.004%); highest among the groups gnomAD compares: East Asian, 0.13%; no homozygotes.

Submissions (4):

Labcorp Genetics (formerly Invitae), Labcorp
Classification: Benign for Familial temporal lobe epilepsy 7; Norman-Roberts syndrome. Last evaluated: 2025-09-27. Review status: criteria provided, single submitter. Criteria: Invitae Variant Classification Sherloc (09022015). Collection method: clinical testing. Allele origin: germline.

PreventionGenetics, part of Exact Sciences
Classification: Likely benign for RELN-related condition. Last evaluated: 2024-12-11. Review status: criteria provided, single submitter. Criteria: ACMG Guidelines, 2015. Collection method: clinical testing. Allele origin: germline.
Comment: This variant is classified as likely benign based on ACMG/AMP sequence variant interpretation guidelines (Richards et al. 2015 PMID: 25741868, with internal and published modifications).

Fulgent Genetics
Classification: Uncertain significance for Norman-Roberts syndrome; Epilepsy, familial temporal lobe, 1; Familial temporal lobe epilepsy 7. Last evaluated: 2022-04-28. Review status: criteria provided, single submitter. Criteria: ACMG Guidelines, 2015. Collection method: clinical testing. Allele origin: unknown.

GeneDx
Classification: Uncertain significance. Last evaluated: 2021-06-02. Review status: criteria provided, single submitter. Criteria: GeneDx Variant Classification Process June 2021. Collection method: clinical testing. Allele origin: germline. Affected: yes.
Comment: Identified in patients with severe intellectual disability and/or epilepsy in the published literature (Zhang et al., 2015; Kang et al., 2019); In silico analysis, which includes splice predictors and evolutionary conservation, suggests this variant may impact gene splicing. In the absence of RNA/functional studies, the actual effect of this sequence change is unknown.; In silico analysis supports that this missense variant does not alter protein structure/function; This variant is associated with the following publications: (PMID: 27535533, 31875159, 26544041)